The following is an entry in ClinVar:

ClinVar aggregate classification (germline): Benign. Review status: criteria provided, multiple submitters, no conflicts (2 of 4 stars). 2 submissions from 2 submitters: Benign (2). Last evaluated 2018-06-14.

Allele frequency attached by ClinVar (database versions not stated): 1000 Genomes Project 0.32049; 1000 Genomes Project 30x 0.32589; TOPMed 0.46220.
gnomAD v4.1: 73,265 of 152,052 alleles (48%); highest among the groups gnomAD compares: Non-Finnish European, 65%; 20,749 homozygotes.

Submissions (2):

GeneDx
Classification: Benign. Last evaluated: 2018-06-14. Review status: criteria provided, single submitter. Criteria: GeneDx Variant Classification (06012015). Collection method: clinical testing. Allele origin: germline. Affected: yes.
Comment: This variant is considered likely benign or benign based on one or more of the following criteria: it is a conservative change, it occurs at a poorly conserved position in the protein, it is predicted to be benign by multiple in silico algorithms, and/or has population frequency not consistent with disease.

Breakthrough Genomics
Classification: Benign. Review status: criteria provided, single submitter. Criteria: ACMG Guidelines, 2015. Collection method: not provided. Allele origin: germline. Inheritance: Autosomal recessive inheritance. Affected: yes.

NM_001195263.2(PDZD7):c.1750-268T>G

Gene: PDZD7 (PDZ domain containing 7; minus strand). Cytogenetic location: 10q24.31.
Variant type: single nucleotide variant.
Coding change: c.1750-268T>G on transcript NM_001195263.2 (MANE Select); 268 bases into the intron before coding-DNA position 1750, T replaced by G.
Molecular consequence: intron variant.
Genome position (GRCh38, 1-based): chr10:101,012,526, A>C on the plus strand (T>G on the coding strand, the complement: PDZD7 is on the minus strand). VCF-style: chr10-101012526-A-C. GRCh37 (hg19) VCF-style: chr10-102772283-A-C.
Identifiers: ClinVar variation 683852 (VCV000683852.2), dbSNP rs11190790, ClinGen allele CA13167059.